The following is an entry in ClinVar:

ClinVar aggregate classification (germline): Uncertain significance (1 of 4 stars; one submission).

Allele frequency attached by ClinVar (database versions not stated): TOPMed 0.00001.

Submission:

Labcorp Genetics (formerly Invitae), Labcorp
Classification: Uncertain significance. Last evaluated: 2024-04-05. Review status: criteria provided, single submitter. Criteria: Invitae Variant Classification Sherloc (09022015). Collection method: clinical testing. Allele origin: germline.
Comment: This sequence change replaces isoleucine, which is neutral and non-polar, with valine, which is neutral and non-polar, at codon 1860 of the CDH23 protein (p.Ile1860Val). This variant is not present in population databases (gnomAD no frequency). This variant has not been reported in the literature in individuals affected with CDH23-related conditions. ClinVar contains an entry for this variant (Variation ID: 1386088). Advanced modeling of protein sequence and biophysical properties (such as structural, functional, and spatial information, amino acid conservation, physicochemical variation, residue mobility, and thermodynamic stability) performed at Invitae indicates that this missense variant is not expected to disrupt CDH23 protein function with a negative predictive value of 95%. In summary, the available evidence is currently insufficient to determine the role of this variant in disease. Therefore, it has been classified as a Variant of Uncertain Significance.

NM_022124.6(CDH23):c.5578A>G (p.Ile1860Val)

Gene: CDH23 (cadherin related 23; plus strand). Cytogenetic location: 10q22.1.
Variant type: single nucleotide variant.
Coding change: c.5578A>G on transcript NM_022124.6 (MANE Select); coding-DNA position 5578, A replaced by G.
Protein change: p.Ile1860Val; replaces isoleucine 1860 with valine.
Molecular consequence: missense variant.
Genome position (GRCh38, 1-based): chr10:71,784,966, A>G. VCF-style: chr10-71784966-A-G. GRCh37 (hg19) VCF-style: chr10-73544723-A-G.
Other names: short protein forms I1860V.
Identifiers: ClinVar variation 1386088 (VCV001386088.5), dbSNP rs761481330, ClinGen allele CA209457499.